The following is an entry in ClinVar:

ClinVar aggregate classification (germline): Uncertain significance (1 of 4 stars; one submission).

Conditions:
Hereditary cancer-predisposing syndrome. Also called: Hereditary Cancer Syndrome; Neoplastic Syndromes, Hereditary; Tumor predisposition; Hereditary neoplastic syndrome. Identifiers: Orphanet 140162, MedGen C0027672, MeSH D009386, MONDO:0015356.

Allele frequency attached by ClinVar (database versions not stated): gnomAD 0.00001.
gnomAD v4.1: 1 of 1,584,348 alleles (0.000063%); highest among the groups gnomAD compares: Non-Finnish European, 0.000087%; no homozygotes.

Submission:

Ambry Genetics
Classification: Uncertain significance for Hereditary cancer-predisposing syndrome. Last evaluated: 2020-02-05. Review status: criteria provided, single submitter. Criteria: Ambry Variant Classification Scheme 2023. Collection method: clinical testing. Allele origin: germline.
Comment: The p.T161A variant (also known as c.481A>G) is located in coding exon 5 of the NBN gene. The threonine at codon 161 is replaced by alanine, an amino acid with similar properties. This change occurs in the first base pair of coding exon 5. This amino acid position is highly conserved in available vertebrate species. In addition, this alteration is predicted to be deleterious by in silico analysis. Since supporting evidence is limited at this time, the clinical significance of this alteration remains unclear.

NM_002485.5(NBN):c.481A>G (p.Thr161Ala)

Gene: NBN (nibrin; minus strand). Cytogenetic location: 8q21.3.
Variant type: single nucleotide variant.
Coding change: c.481A>G on transcript NM_002485.5 (MANE Select); coding-DNA position 481, A replaced by G.
Protein change: p.Thr161Ala; replaces threonine 161 with alanine.
Molecular consequence: missense variant.
Genome position (GRCh38, 1-based): chr8:89,978,323, T>C on the plus strand (A>G on the coding strand, the complement: NBN is on the minus strand). VCF-style: chr8-89978323-T-C. GRCh37 (hg19) VCF-style: chr8-90990551-T-C.
Other names: c.235A>G, p.Thr79Ala (NM_001024688.3); short protein forms T79A, T161A.
Identifiers: ClinVar variation 1743339 (VCV001743339.2), dbSNP rs1811873057, ClinGen allele CA371660733.